The following is an entry in ClinVar:

NM_001267550.2(TTN):c.79700A>G (p.Asn26567Ser)

Genes: TTN-AS1 (TTN antisense RNA 1; plus strand), TTN (titin; minus strand). Cytogenetic location: 2q31.2.
Variant type: single nucleotide variant.
Coding change: c.79700A>G on transcript NM_001267550.2 (MANE Select); coding-DNA position 79700, A replaced by G.
Protein change: p.Asn26567Ser; replaces asparagine 26567 with serine.
Molecular consequence: missense variant.
Genome position (GRCh38, 1-based): chr2:178,566,432, T>C on the plus strand (A>G on the coding strand, the complement: TTN is on the minus strand). VCF-style: chr2-178566432-T-C. GRCh37 (hg19) VCF-style: chr2-179431159-T-C.
Other names: p.N24926S:AAC>AGC; p.Asn24926Ser; c.74777A>G, p.Asn24926Ser (NM_001256850.1); c.71996A>G, p.Asn23999Ser (NM_133378.4); c.52505A>G, p.Asn17502Ser (NM_003319.4); c.52880A>G, p.Asn17627Ser (NM_133432.3); c.53081A>G, p.Asn17694Ser (NM_133437.4); short protein forms N24926S, N26567S, N23999S, N17502S, N17627S, N17694S.
Identifiers: ClinVar variation 202893 (VCV000202893.63), dbSNP rs183844833, ClinGen allele CA310611.

ClinVar aggregate classification (germline): Benign/Likely benign. Review status: criteria provided, multiple submitters, no conflicts (2 of 4 stars). 22 submissions from 15 submitters: Benign (14); Likely benign (8). Last evaluated 2026-05-01.

Conditions:
Cardiovascular phenotype. Identifiers: MedGen CN230736.
Autosomal recessive limb-girdle muscular dystrophy type 2J (LGMDR10). Also called: Limb-girdle muscular dystrophy, type 2J; MUSCULAR DYSTROPHY, LIMB-GIRDLE, AUTOSOMAL RECESSIVE 10. Identifiers: Orphanet 140922, MedGen C1837342, MONDO:0012127, OMIM 608807.
Dilated cardiomyopathy 1G (CMD1G). Identifiers: Orphanet 154, MedGen C1858763, MONDO:0011400, OMIM 604145.
Cardiomyopathy (CMYO). Also called: Cardiomyopathies. Identifiers: Orphanet 167848, MedGen C0878544, MONDO:0004994, HP:0001638. Inheritance: Various modes of inheritance.
Early-onset myopathy with fatal cardiomyopathy (CMYO5). Also called: Salih Myopathy; CONGENITAL MYOPATHY 5 WITH CARDIOMYOPATHY. Identifiers: Orphanet 289377, MedGen C2673677, MONDO:0012714, OMIM 611705. Disease mechanism: loss of function.
Tibial muscular dystrophy (TMD). Also called: Tibial muscular dystrophy, tardive; UDD MYOPATHY; Udd Distal Myopathy – Tibial Muscular Dystrophy. Identifiers: Orphanet 609, MedGen C1838244, MONDO:0010870, OMIM 600334.
Myopathy, myofibrillar, 9, with early respiratory failure (MFM9). Also called: EDSTROM MYOPATHY; MYOPATHY, PROXIMAL, WITH EARLY RESPIRATORY MUSCLE INVOLVEMENT; Myopathy, distal, with early respiratory failure, autosomal dominant; Hereditary myopathy with early respiratory failure. Identifiers: Orphanet 178464, Orphanet 34521, MedGen C1863599, MONDO:0011362, OMIM 603689.
Hypertrophic cardiomyopathy. Also called: HYPERTROPHIC MYOCARDIOPATHY. Identifiers: Orphanet 217569, MedGen C0007194, MeSH D002312, MONDO:0005045, HP:0001639.

Allele frequency attached by ClinVar (database versions not stated): ESP Exome Variant Server 0.00041; gnomAD 0.00058 and 0.00070; TOPMed 0.00074; ExAC 0.00128; gnomAD exomes 0.00136; 1000 Genomes Project 30x 0.00281; 1000 Genomes Project 0.00300.
gnomAD v4.1: 549 of 1,613,482 alleles (0.034%); highest among the groups gnomAD compares: East Asian, 0.9%; 7 homozygotes.

Submissions (22):

CeGaT Center for Human Genetics Tuebingen
Classification: Benign. Last evaluated: 2026-05-01. Review status: criteria provided, single submitter. Criteria: CeGaT Center For Human Genetics Tuebingen Variant Classification Criteria Version 2. Collection method: clinical testing. Allele origin: germline. Affected: yes. Observed: 4 variant alleles.
Comment: TTN: BS1, BS2

Labcorp Genetics (formerly Invitae), Labcorp
Classification: Likely benign for Dilated cardiomyopathy 1G; Autosomal recessive limb-girdle muscular dystrophy type 2J. Last evaluated: 2026-02-03. Review status: criteria provided, single submitter. Criteria: Invitae Variant Classification Sherloc (09022015). Collection method: clinical testing. Allele origin: germline.

Mayo Clinic Laboratories, Mayo Clinic
Classification: Likely benign. Last evaluated: 2025-05-23. Review status: criteria provided, single submitter. Criteria: ACMG Guidelines, 2015. Collection method: clinical testing. Allele origin: germline. Observed: 5 variant alleles.
Comment: BS1

Molecular Diagnostic Laboratory for Inherited Cardiovascular Disease, Montreal Heart Institute
Classification: Likely benign. Last evaluated: 2025-04-09. Review status: criteria provided, single submitter. Criteria: ACMG Guidelines, 2015. Collection method: clinical testing. Allele origin: germline. Affected: no.
Comment: BS1;BP1

Blueprint Genetics
Classification: Benign. Last evaluated: 2024-11-01. Review status: criteria provided, single submitter. Criteria: ACMG Guidelines, 2015. Collection method: clinical testing. Allele origin: germline.

Women's Health and Genetics/Laboratory Corporation of America, LabCorp
Classification: Likely benign. Last evaluated: 2023-05-15. Review status: criteria provided, single submitter. Criteria: LabCorp Variant Classification Summary - May 2015. Collection method: clinical testing. Allele origin: germline.

GeneDx
Classification: Likely benign. Last evaluated: 2021-09-16. Review status: criteria provided, single submitter. Criteria: GeneDx Variant Classification Process June 2021. Collection method: clinical testing. Allele origin: germline. Affected: yes.
Comment: This variant is associated with the following publications: (PMID: 27066551)

Genome-Nilou Lab
Classification: Benign for Autosomal recessive limb-girdle muscular dystrophy type 2J. Last evaluated: 2021-09-10. Review status: criteria provided, single submitter. Criteria: ACMG Guidelines, 2015. Collection method: clinical testing. Allele origin: germline. Affected: no.

Genome-Nilou Lab
Classification: Benign for Myopathy, myofibrillar, 9, with early respiratory failure. Last evaluated: 2021-09-10. Review status: criteria provided, single submitter. Criteria: ACMG Guidelines, 2015. Collection method: clinical testing. Allele origin: germline. Affected: no.

Genome-Nilou Lab
Classification: Benign for Early-onset myopathy with fatal cardiomyopathy. Last evaluated: 2021-09-10. Review status: criteria provided, single submitter. Criteria: ACMG Guidelines, 2015. Collection method: clinical testing. Allele origin: germline. Affected: no.

Genome-Nilou Lab
Classification: Benign for Tibial muscular dystrophy. Last evaluated: 2021-09-10. Review status: criteria provided, single submitter. Criteria: ACMG Guidelines, 2015. Collection method: clinical testing. Allele origin: germline. Affected: no.

Ambry Genetics
Classification: Benign for Cardiovascular phenotype. Last evaluated: 2020-03-24. Review status: criteria provided, single submitter. Criteria: Ambry Autosomal Dominant and X-Linked criteria (2/2020). Collection method: clinical testing. Allele origin: germline. Observed: 1 variant allele.
Comment: General population or subpopulation frequency is too high to be a pathogenic mutation based on disease/syndrome prevalence and penetrance;In silico models in agreement (benign)

Center for Advanced Laboratory Medicine, UC San Diego Health, University of California San Diego
Classification: Benign for Hypertrophic cardiomyopathy. Last evaluated: 2018-05-08. Review status: criteria provided, single submitter. Criteria: ACMG Guidelines, 2015. Collection method: clinical testing. Allele origin: germline. Affected: yes. Observed: 2 variant alleles.

CHEO Genetics Diagnostic Laboratory, Children's Hospital of Eastern Ontario
Classification: Benign for Cardiomyopathy. Last evaluated: 2018-01-31. Review status: criteria provided, single submitter. Criteria: ACMG Guidelines, 2015. Collection method: clinical testing. Allele origin: germline.

Illumina Laboratory Services, Illumina
Classification: Likely benign for Dilated cardiomyopathy 1G. Last evaluated: 2018-01-13. Review status: criteria provided, single submitter. Criteria: ICSL Variant Classification Criteria 13 December 2019. Collection method: clinical testing. Allele origin: germline.
Comment: This variant was observed in the ICSL laboratory as part of a predisposition screen in an ostensibly healthy population. It had not been previously curated by ICSL or reported in the Human Gene Mutation Database (HGMD: prior to June 1st, 2018), and was therefore a candidate for classification through an automated scoring system. Utilizing variant allele frequency, disease prevalence and penetrance estimates, and inheritance mode, an automated score was calculated to assess if this variant is too frequent to cause the disease. Based on the score and internal cut-off values, a variant classified as likely benign is not then subjected to further curation. The score for this variant resulted in a classification of likely benign for this disease.

Illumina Laboratory Services, Illumina
Classification: Likely benign for Early-onset myopathy with fatal cardiomyopathy. Last evaluated: 2018-01-13. Review status: criteria provided, single submitter. Criteria: ICSL Variant Classification Criteria 13 December 2019. Collection method: clinical testing. Allele origin: germline.
Comment: the same text as in the submission from Illumina Laboratory Services, Illumina above.

Illumina Laboratory Services, Illumina
Classification: Benign for Tibial muscular dystrophy. Last evaluated: 2018-01-13. Review status: criteria provided, single submitter. Criteria: ICSL Variant Classification Criteria 13 December 2019. Collection method: clinical testing. Allele origin: germline.
Comment: This variant was observed in the ICSL laboratory as part of a predisposition screen in an ostensibly healthy population. It had not been previously curated by ICSL or reported in the Human Gene Mutation Database (HGMD: prior to June 1st, 2018), and was therefore a candidate for classification through an automated scoring system. Utilizing variant allele frequency, disease prevalence and penetrance estimates, and inheritance mode, an automated score was calculated to assess if this variant is too frequent to cause the disease. Based on the score and internal cut-off values, a variant classified as benign is not then subjected to further curation. The score for this variant resulted in a classification of benign for this disease.

Illumina Laboratory Services, Illumina
Classification: Benign for Myopathy, myofibrillar, 9, with early respiratory failure. Last evaluated: 2018-01-13. Review status: criteria provided, single submitter. Criteria: ICSL Variant Classification Criteria 13 December 2019. Collection method: clinical testing. Allele origin: germline.
Comment: the same text as in the submission from Illumina Laboratory Services, Illumina above.

Illumina Laboratory Services, Illumina
Classification: Likely benign for Autosomal recessive limb-girdle muscular dystrophy type 2J. Last evaluated: 2018-01-13. Review status: criteria provided, single submitter. Criteria: ICSL Variant Classification Criteria 13 December 2019. Collection method: clinical testing. Allele origin: germline.
Comment: the same text as in the submission from Illumina Laboratory Services, Illumina above.

Athena Diagnostics
Classification: Benign. Last evaluated: 2017-04-12. Review status: criteria provided, single submitter. Criteria: Athena Diagnostics Criteria. Collection method: clinical testing. Allele origin: germline.

Eurofins Ntd Llc (ga)
Classification: Benign. Last evaluated: 2016-11-02. Review status: criteria provided, single submitter. Criteria: EGL Classification Definitions 2015. Collection method: clinical testing. Allele origin: germline. Observed: 2 variant alleles, 2 heterozygotes.

Laboratory for Molecular Medicine, Mass General Brigham Personalized Medicine
Classification: Benign. Last evaluated: 2015-03-11. Review status: criteria provided, single submitter. Criteria: LMM Criteria. Collection method: clinical testing. Allele origin: germline. Observed: 1 variant allele.
Comment: p.Asn23999Ser in exon 275 of TTN: This variant is not expected to have clinical significance because it has been identified in 1.6% (137/8604) of East Asian chr omosomes by the Exome Aggregation Consortium (ExAC, rg; dbSNP rs183844833).